The following is an entry in ClinVar:

ClinVar aggregate classification (germline): Uncertain significance (1 of 4 stars; one submission).

Conditions:
Fanconi anemia (FA). Also called: Fanconi's anemia. Identifiers: Orphanet 84, MedGen C0015625, MeSH D005199, MONDO:0019391.

Allele frequency attached by ClinVar (database versions not stated): gnomAD exomes below 0.00001.

Submission:

Labcorp Genetics (formerly Invitae), Labcorp
Classification: Uncertain significance for Fanconi anemia. Last evaluated: 2025-06-05. Review status: criteria provided, single submitter. Criteria: Invitae Variant Classification Sherloc (09022015). Collection method: clinical testing. Allele origin: germline.
Comment: This sequence change replaces serine, which is neutral and polar, with leucine, which is neutral and non-polar, at codon 1142 of the SLX4 protein (p.Ser1142Leu). This variant is not present in population databases (gnomAD no frequency). This variant has not been reported in the literature in individuals affected with SLX4-related conditions. ClinVar contains an entry for this variant (Variation ID: 970684). An algorithm developed to predict the effect of missense changes on protein structure and function outputs the following: PolyPhen-2: "Benign". The leucine amino acid residue is found in multiple mammalian species, which suggests that this missense change does not adversely affect protein function. In summary, the available evidence is currently insufficient to determine the role of this variant in disease. Therefore, it has been classified as a Variant of Uncertain Significance.

NM_032444.4(SLX4):c.3425C>T (p.Ser1142Leu)

Gene: SLX4 (SLX4 structure-specific endonuclease subunit; minus strand). Cytogenetic location: 16p13.3.
Variant type: single nucleotide variant.
Coding change: c.3425C>T on transcript NM_032444.4 (MANE Select); coding-DNA position 3425, C replaced by T.
Protein change: p.Ser1142Leu; replaces serine 1142 with leucine.
Molecular consequence: missense variant.
Genome position (GRCh38, 1-based): chr16:3,590,213, G>A on the plus strand (C>T on the coding strand, the complement: SLX4 is on the minus strand). VCF-style: chr16-3590213-G-A. GRCh37 (hg19) VCF-style: chr16-3640214-G-A.
Other names: short protein forms S1142L.
Identifiers: ClinVar variation 970684 (VCV000970684.6), dbSNP rs967412461, ClinGen allele CA394520161.